The following is an entry in ClinVar:

ClinVar aggregate classification (germline): Pathogenic (1 of 4 stars; one submission).

Submission:

Labcorp Genetics (formerly Invitae), Labcorp
Classification: Pathogenic. Last evaluated: 2024-08-06. Review status: criteria provided, single submitter. Criteria: Invitae Variant Classification Sherloc (09022015). Collection method: clinical testing. Allele origin: germline.
Comment: This sequence change creates a premature translational stop signal (p.Ser69Lysfs*16) in the MDH2 gene. It is expected to result in an absent or disrupted protein product. Loss-of-function variants in MDH2 are known to be pathogenic (PMID: 27989324). This variant is not present in population databases (gnomAD no frequency). This variant has not been reported in the literature in individuals affected with MDH2-related conditions. For these reasons, this variant has been classified as Pathogenic.

Literature cited by the submitters: PubMed 27989324.

NM_005918.4(MDH2):c.205dup (p.Ser69fs)

Gene: MDH2 (malate dehydrogenase 2; plus strand). Cytogenetic location: 7q11.23.
Variant type: Duplication.
Coding change: c.205dup on transcript NM_005918.4 (MANE Select); coding-DNA position 205, one base duplicated (A; older notation c.205dupA).
Protein change: p.Ser69fs; shifts the reading frame from serine 69.
Molecular consequence: frameshift variant. On other transcripts: intron variant (1).
Genome position (GRCh38, 1-based): chr7:76,054,968, A duplicated. VCF-style (leftmost placement, unchanged base first): chr7-76054967-G-GA. GRCh37 (hg19) VCF-style: chr7-75684285-G-GA.
Other names: c.205dup, p.Ser69fs (NM_001282403.2); c.-86-2442dup (NM_001282404.2); short protein forms S69fs.
Identifiers: ClinVar variation 3661531 (VCV003661531.2).